The following is an entry in ClinVar:

NM_000685.5(AGTR1):c.742_743del (p.Phe248fs)

Gene: AGTR1 (angiotensin II receptor type 1; plus strand). Cytogenetic location: 3q24.
Variant type: Deletion.
Coding change: c.742_743del on transcript NM_000685.5 (MANE Select); coding-DNA positions 742 to 743, 2 bases deleted (TT; older notation c.742_743delTT).
Protein change: p.Phe248fs; shifts the reading frame from phenylalanine 248.
Molecular consequence: frameshift variant.
Genome position (GRCh38, 1-based): chr3:148,741,777-148,741,778, TT deleted; deleting any 2 consecutive bases within chr3:148,741,775-148,741,778 gives the same sequence; the c. name uses the placement nearest the transcript's 3' end. VCF-style (leftmost placement, unchanged base first): chr3-148741774-CTT-C. GRCh37 (hg19) VCF-style: chr3-148459561-CTT-C.
Other names: c.742_743del, p.Phe248fs (NM_001382736.1, NM_001382737.1, NM_004835.5 and 3 more transcripts); c.847_848del (NM_031850.3); short protein forms F248fs.
Identifiers: ClinVar variation 3361382 (VCV003361382.2), dbSNP rs752692489.

ClinVar aggregate classification (germline): Uncertain significance (1 of 4 stars; one submission).

Submission:

GeneDx
Classification: Uncertain significance. Last evaluated: 2025-04-02. Review status: criteria provided, single submitter. Criteria: GeneDx Variant Classification Process June 2021. Collection method: clinical testing. Allele origin: germline.
Comment: Has not been previously published as pathogenic or benign to our knowledge; Frameshift variant predicted to result in abnormal protein length as the last 112 amino acid(s) are replaced with 24 different amino acid(s)